The following is an entry in ClinVar:

NM_004444.5(EPHB4):c.1292G>A (p.Arg431Gln)

Gene: EPHB4 (EPH receptor B4; minus strand). Cytogenetic location: 7q22.1.
Variant type: single nucleotide variant.
Coding change: c.1292G>A on transcript NM_004444.5 (MANE Select); coding-DNA position 1292, G replaced by A.
Protein change: p.Arg431Gln; replaces arginine 431 with glutamine.
Molecular consequence: missense variant.
Genome position (GRCh38, 1-based): chr7:100,819,562, C>T on the plus strand (G>A on the coding strand, the complement: EPHB4 is on the minus strand). VCF-style: chr7-100819562-C-T. GRCh37 (hg19) VCF-style: chr7-100417184-C-T.
Other names: short protein forms R431Q.
Identifiers: ClinVar variation 4692135 (VCV004692135.1).

ClinVar aggregate classification (germline): Uncertain significance (1 of 4 stars; one submission).

gnomAD v4.1: 7 of 1,556,264 alleles (0.00045%); highest among the groups gnomAD compares: African/African-American, 0.0014%; no homozygotes.

Submission:

Labcorp Genetics (formerly Invitae), Labcorp
Classification: Uncertain significance. Last evaluated: 2025-10-05. Review status: criteria provided, single submitter. Criteria: Invitae Variant Classification Sherloc (09022015). Collection method: clinical testing. Allele origin: germline.
Comment: This sequence change replaces arginine, which is basic and polar, with glutamine, which is neutral and polar, at codon 431 of the EPHB4 protein (p.Arg431Gln). This variant is present in population databases (rs74779801, gnomAD 0.001%). This variant has not been reported in the literature in individuals affected with EPHB4-related conditions. Invitae Evidence Modeling of protein sequence and biophysical properties (such as structural, functional, and spatial information, amino acid conservation, physicochemical variation, residue mobility, and thermodynamic stability) indicates that this missense variant is not expected to disrupt EPHB4 protein function with a negative predictive value of 95%. In summary, the available evidence is currently insufficient to determine the role of this variant in disease. Therefore, it has been classified as a Variant of Uncertain Significance.